The following is an entry in ClinVar:

ClinVar aggregate classification (germline): Benign. Review status: criteria provided, multiple submitters, no conflicts (2 of 4 stars). 2 submissions from 2 submitters: Benign (2). Last evaluated 2018-01-12.

Conditions:
Palmoplantar keratoderma-esophageal carcinoma syndrome (TOC). Also called: KERATOSIS PALMARIS ET PLANTARIS WITH ESOPHAGEAL CANCER; PALMOPLANTAR KERATODERMA WITH ESOPHAGEAL CANCER; Tylosis with Esophageal Cancer. Identifiers: Orphanet 2198, MedGen C1835664, MONDO:0007856, OMIM 148500.

Allele frequency attached by ClinVar (database versions not stated): gnomAD 0.02667 and 0.02655; 1000 Genomes Project 0.02536; TOPMed 0.02170; 1000 Genomes Project 30x 0.02608; gnomAD exomes 0.02311.
gnomAD v4.1: 4,079 of 153,876 alleles (2.7%); highest among the groups gnomAD compares: Admixed American, 5.5%; 89 homozygotes.

Submissions (2):

Illumina Laboratory Services, Illumina
Classification: Benign for Palmoplantar keratoderma-esophageal carcinoma syndrome. Last evaluated: 2018-01-12. Review status: criteria provided, single submitter. Criteria: ICSL Variant Classification Criteria 13 December 2019. Collection method: clinical testing. Allele origin: germline.
Comment: This variant was observed in the ICSL laboratory as part of a predisposition screen in an ostensibly healthy population. It had not been previously curated by ICSL or reported in the Human Gene Mutation Database (HGMD: prior to June 1st, 2018), and was therefore a candidate for classification through an automated scoring system. Utilizing variant allele frequency, disease prevalence and penetrance estimates, and inheritance mode, an automated score was calculated to assess if this variant is too frequent to cause the disease. Based on the score and internal cut-off values, a variant classified as benign is not then subjected to further curation. The score for this variant resulted in a classification of benign for this disease.

Breakthrough Genomics
Classification: Benign. Review status: criteria provided, single submitter. Criteria: ACMG Guidelines, 2015. Collection method: not provided. Allele origin: germline. Inheritance: Autosomal dominant inheritance. Affected: yes.

NM_001005498.4(RHBDF2):c.*580C>T

Gene: RHBDF2 (rhomboid 5 homolog 2; minus strand). Cytogenetic location: 17q25.1.
Variant type: single nucleotide variant.
Coding change: c.*580C>T on transcript NM_001005498.4 (MANE Select); 580 bases downstream of the stop codon, C replaced by T.
Molecular consequence: 3 prime UTR variant. On other transcripts: non-coding transcript variant (3).
Genome position (GRCh38, 1-based): chr17:76,471,053, G>A on the plus strand (C>T on the coding strand, the complement: RHBDF2 is on the minus strand). VCF-style: chr17-76471053-G-A. GRCh37 (hg19) VCF-style: chr17-74467135-G-A.
Other names: c.*580C>T (NM_001376228.1, NM_001376229.1, NM_001376230.1 and 1 more transcripts).
Identifiers: ClinVar variation 325403 (VCV000325403.6), dbSNP rs111924263, ClinGen allele CA10651053.